The following is an entry in ClinVar:

ClinVar aggregate classification (germline): Conflicting classifications of pathogenicity. Review status: criteria provided, conflicting classifications (1 of 4 stars). 2 submissions from 2 submitters: Uncertain significance (1); Likely benign (1). Last evaluated 2023-05-01.

Conditions:
Woodhouse-Sakati syndrome. Also called: EXTRAPYRAMIDAL DISORDER, PROGRESSIVE, WITH PRIMARY HYPOGONADISM, MENTAL RETARDATION, AND ALOPECIA; Hypogonadism, Alopecia, Diabetes Mellitus, Mental Retardation, and Extrapyramidal Syndrome; Hypogonadism, diabetes mellitus, alopecia, mental retardation and electrocardiographic abnormalities. Identifiers: Orphanet 3464, MedGen C0342286, MONDO:0009419, OMIM 241080.

Allele frequency attached by ClinVar (database versions not stated): 1000 Genomes Project 30x 0.00156; 1000 Genomes Project 0.00160; ExAC 0.00279; gnomAD exomes 0.00369 and 0.00411; TOPMed 0.00388; gnomAD 0.00399.

Submissions (2):

CeGaT Center for Human Genetics Tuebingen
Classification: Likely benign. Last evaluated: 2023-05-01. Review status: criteria provided, single submitter. Criteria: CeGaT Center For Human Genetics Tuebingen Variant Classification Criteria Version 2. Collection method: clinical testing. Allele origin: germline. Affected: yes. Observed: 4 variant alleles.
Comment: DCAF17: BS2

Illumina Laboratory Services, Illumina
Classification: Uncertain significance for Woodhouse-Sakati syndrome. Last evaluated: 2018-01-13. Review status: criteria provided, single submitter. Criteria: ICSL Variant Classification Criteria 13 December 2019. Collection method: clinical testing. Allele origin: germline.

NM_025000.4(DCAF17):c.*1841G>T

Gene: DCAF17 (DDB1 and CUL4 associated factor 17; plus strand). Cytogenetic location: 2q31.1.
Variant type: single nucleotide variant.
Coding change: c.*1841G>T on transcript NM_025000.4 (MANE Select); 1841 bases downstream of the stop codon, G replaced by T.
Molecular consequence: 3 prime UTR variant. On other transcripts: non-coding transcript variant (1).
Genome position (GRCh38, 1-based): chr2:171,482,955, G>T. VCF-style: chr2-171482955-G-T. GRCh37 (hg19) VCF-style: chr2-172339465-G-T.
Other names: c.*1841G>T (NM_001164821.2).
Identifiers: ClinVar variation 332291 (VCV000332291.29), dbSNP rs114519296, ClinGen allele CA1965093.